The following is an entry in ClinVar:

NM_206933.4(USH2A):c.5842C>A (p.Arg1948Ser)

Genes: USH2A (usherin; minus strand), USH2A-AS2 (USH2A antisense RNA 2; plus strand). Cytogenetic location: 1q41.
Variant type: single nucleotide variant.
Coding change: c.5842C>A on transcript NM_206933.4 (MANE Select); coding-DNA position 5842, C replaced by A.
Protein change: p.Arg1948Ser; replaces arginine 1948 with serine.
Molecular consequence: missense variant.
Genome position (GRCh38, 1-based): chr1:216,072,904, G>T on the plus strand (C>A on the coding strand, the complement: USH2A is on the minus strand). VCF-style: chr1-216072904-G-T. GRCh37 (hg19) VCF-style: chr1-216246246-G-T.
Other names: short protein forms R1948S.
Identifiers: ClinVar variation 2155940 (VCV002155940.5), dbSNP rs145647517, ClinGen allele CA344853752.

ClinVar aggregate classification (germline): Uncertain significance. Review status: criteria provided, single submitter (1 of 4 stars). 2 submissions from 2 submitters: Uncertain significance (1). 1 of the submissions does not count toward it. Last evaluated 2022-06-09.

Conditions:
Retinal dystrophy. Also called: Inherited retinal dystrophy. Identifiers: Orphanet 71862, MedGen C0854723, MeSH D058499, MONDO:0019118, HP:0000556.

gnomAD v4.1: 1 of 1,613,690 alleles (0.000062%); no homozygotes.

Submissions (2):

Labcorp Genetics (formerly Invitae), Labcorp
Classification: Uncertain significance. Last evaluated: 2022-06-09. Review status: criteria provided, single submitter. Criteria: Invitae Variant Classification Sherloc (09022015). Collection method: clinical testing. Allele origin: germline.
Comment: In summary, the available evidence is currently insufficient to determine the role of this variant in disease. Therefore, it has been classified as a Variant of Uncertain Significance. Algorithms developed to predict the effect of missense changes on protein structure and function (SIFT, PolyPhen-2, Align-GVGD) all suggest that this variant is likely to be disruptive. This variant has not been reported in the literature in individuals affected with USH2A-related conditions. This variant is not present in population databases (gnomAD no frequency). This sequence change replaces arginine, which is basic and polar, with serine, which is neutral and polar, at codon 1948 of the USH2A protein (p.Arg1948Ser).

Institute of Human Genetics, Univ. Regensburg, Univ. Regensburg
Classification: Likely pathogenic for Retinal dystrophy. Last evaluated: 2016-01-01. Review status: no assertion criteria provided. Criteria: ACMG Guidelines, 2015. Collection method: clinical testing. Allele origin: germline. Affected: yes. Not counted in ClinVar's aggregate classification.